The following is an entry in ClinVar:

ClinVar aggregate classification (germline): Uncertain significance (1 of 4 stars; one submission).

Submission:

Labcorp Genetics (formerly Invitae), Labcorp
Classification: Uncertain significance. Last evaluated: 2022-06-04. Review status: criteria provided, single submitter. Criteria: Invitae Variant Classification Sherloc (09022015). Collection method: clinical testing. Allele origin: germline.
Comment: This sequence change affects codon 152 of the KIF2A mRNA. It is a 'silent' change, meaning that it does not change the encoded amino acid sequence of the KIF2A protein. It affects a nucleotide within the consensus splice site. This variant is not present in population databases (gnomAD no frequency). In summary, the available evidence is currently insufficient to determine the role of this variant in disease. Therefore, it has been classified as a Variant of Uncertain Significance. Algorithms developed to predict the effect of sequence changes on RNA splicing suggest that this variant may disrupt the consensus splice site. This variant has not been reported in the literature in individuals affected with KIF2A-related conditions.

NM_001098511.3(KIF2A):c.456T>A (p.Pro152=)

Gene: KIF2A (kinesin family member 2A; plus strand). Cytogenetic location: 5q12.1.
Variant type: single nucleotide variant.
Coding change: c.456T>A on transcript NM_001098511.3 (MANE Select); coding-DNA position 456, T replaced by A.
Protein change: p.Pro152=; no amino-acid change (proline 152 retained).
Molecular consequence: synonymous variant. On other transcripts: intron variant (1).
Genome position (GRCh38, 1-based): chr5:62,352,709, T>A. VCF-style: chr5-62352709-T-A. GRCh37 (hg19) VCF-style: chr5-61648536-T-A.
Other names: c.375T>A, p.Pro125= (NM_001243952.2); c.456T>A, p.Pro152= (NM_004520.5); c.400+56T>A (NM_001243953.2).
Identifiers: ClinVar variation 2082492 (VCV002082492.4), dbSNP rs1165520095, ClinGen allele CA444578615.
Genomic context (GRCh38, chr5:62,352,709, plus strand): 5'-GAATGGTAGTGTTTCAGATATATCTCCAGTTCAAGCTGCAAAAAAGGAATTTGGACCCCC[T>A]TGTATGTAAATTATGTATCAAGGATTTAGTCATTTTAGGCATACATGTATTCTCTCTTGG-3'
Protein context (NP_001091981.1, residues 142-162): VQAAKKEFGP[Pro152=]SRRKSNCVKE